The following is an entry in ClinVar:

NM_000051.4(ATM):c.3964C>G (p.Leu1322Val)

Gene: ATM (ATM serine/threonine kinase; plus strand). Cytogenetic location: 11q22.3.
Variant type: single nucleotide variant.
Coding change: c.3964C>G on transcript NM_000051.4 (MANE Select); coding-DNA position 3964, C replaced by G.
Protein change: p.Leu1322Val; replaces leucine 1322 with valine.
Molecular consequence: missense variant.
Genome position (GRCh38, 1-based): chr11:108,284,444, C>G. VCF-style: chr11-108284444-C-G. GRCh37 (hg19) VCF-style: chr11-108155171-C-G.
Other names: c.3964C>G, p.Leu1322Val (NM_001351834.2); short protein forms L1322V.
Identifiers: ClinVar variation 2707738 (VCV002707738.3), dbSNP rs144535256, ClinGen allele CA382526102.

ClinVar aggregate classification (germline): Uncertain significance (1 of 4 stars; one submission).

Conditions:
Ataxia-telangiectasia syndrome (AT). Also called: ATAXIA-TELANGIECTASIA, COMPLEMENTATION GROUP A; ATAXIA-TELANGIECTASIA, FRESNO VARIANT; Ataxia-telangiectasia, complementation group D; LOUIS-BAR SYNDROME; AT, COMPLEMENTATION GROUP C; Ataxia-telangiectasia. Identifiers: Orphanet 100, MedGen C0004135, MONDO:0008840, OMIM 208900.

gnomAD v4.1: 1 of 1,613,932 alleles (0.000062%); highest among the groups gnomAD compares: East Asian, 0.0022%; no homozygotes.

Submission:

Labcorp Genetics (formerly Invitae), Labcorp
Classification: Uncertain significance for Ataxia-telangiectasia syndrome. Last evaluated: 2024-01-05. Review status: criteria provided, single submitter. Criteria: Invitae Variant Classification Sherloc (09022015). Collection method: clinical testing. Allele origin: germline.
Comment: This sequence change replaces leucine, which is neutral and non-polar, with valine, which is neutral and non-polar, at codon 1322 of the ATM protein (p.Leu1322Val). This variant is not present in population databases (gnomAD no frequency). This variant has not been reported in the literature in individuals affected with ATM-related conditions. An algorithm developed to predict the effect of missense changes on protein structure and function (PolyPhen-2) suggests that this variant is likely to be tolerated. In summary, the available evidence is currently insufficient to determine the role of this variant in disease. Therefore, it has been classified as a Variant of Uncertain Significance.